The following is an entry in ClinVar:

ClinVar aggregate classification (germline): Pathogenic (1 of 4 stars; one submission).

Conditions:
Bloom syndrome (BLM). Also called: Bloom-Torre-Machacek syndrome. Identifiers: Orphanet 125, MedGen C0005859, MONDO:0008876, OMIM 210900.

Submission:

Labcorp Genetics (formerly Invitae), Labcorp
Classification: Pathogenic for Bloom syndrome. Last evaluated: 2025-11-19. Review status: criteria provided, single submitter. Criteria: Invitae Variant Classification Sherloc (09022015). Collection method: clinical testing. Allele origin: germline.
Comment: This sequence change creates a premature translational stop signal (p.Asn51Metfs*4) in the BLM gene. It is expected to result in an absent or disrupted protein product. Loss-of-function variants in BLM are known to be pathogenic (PMID: 17407155). This variant is not present in population databases (gnomAD no frequency). This variant has not been reported in the literature in individuals affected with BLM-related conditions. For these reasons, this variant has been classified as Pathogenic.

Literature cited by the submitters: PubMed 17407155.

NM_000057.4(BLM):c.152del (p.Asn51fs)

Gene: BLM (BLM RecQ like helicase; plus strand). Cytogenetic location: 15q26.1.
Variant type: Deletion.
Coding change: c.152del on transcript NM_000057.4 (MANE Select); coding-DNA position 152, one base deleted (A; older notation c.152delA).
Protein change: p.Asn51fs; shifts the reading frame from asparagine 51.
Molecular consequence: frameshift variant. On other transcripts: 5 prime UTR variant (1).
Genome position (GRCh38, 1-based): chr15:90,749,420, A deleted; the last of 2 consecutive A bases (chr15:90,749,419-90,749,420); deleting either gives the same sequence. VCF-style (leftmost placement, unchanged base first): chr15-90749418-TA-T. GRCh37 (hg19) VCF-style: chr15-91292648-TA-T.
Other names: c.152del, p.Asn51fs (NM_001287246.2, NM_001287247.2); c.-1140del (NM_001287248.2); short protein forms N51fs.
Identifiers: ClinVar variation 4731544 (VCV004731544.1).